The following is an entry in ClinVar:

NM_001128840.3(CACNA1D):c.2907del (p.Phe970fs)

Gene: CACNA1D (calcium voltage-gated channel subunit alpha1 D; plus strand). Cytogenetic location: 3p21.1.
Variant type: Deletion.
Coding change: c.2907del on transcript NM_001128840.3 (MANE Select); coding-DNA position 2907, one base deleted (A; older notation c.2907delA).
Protein change: p.Phe970fs; shifts the reading frame from phenylalanine 970.
Molecular consequence: frameshift variant.
Genome position (GRCh38, 1-based): chr3:53,743,106, A deleted. VCF-style (leftmost placement, unchanged base first): chr3-53743105-CA-C. GRCh37 (hg19) VCF-style: chr3-53777132-CA-C.
Other names: c.2967del, p.Phe990fs (NM_000720.4); c.2907del, p.Phe970fs (NM_001128839.3); short protein forms F970fs, F990fs.
Identifiers: ClinVar variation 3376718 (VCV003376718.1).

ClinVar aggregate classification (germline): Likely pathogenic (1 of 4 stars; one submission).

Conditions:
Sinoatrial node dysfunction and deafness (SANDD). Identifiers: Orphanet 324321, MedGen C3554018, MONDO:0013960, OMIM 614896.

Submission:

Victorian Clinical Genetics Services, Murdoch Childrens Research Institute
Classification: Likely pathogenic for Sinoatrial node dysfunction and deafness. Last evaluated: 2023-07-17. Review status: criteria provided, single submitter. Criteria: ACMG Guidelines, 2015. Collection method: clinical testing. Allele origin: germline. Inheritance: Autosomal recessive inheritance.
Comment: Based on the classification scheme VCGS_Germline_v1.3.4, this variant is classified as Likely Pathogenic. Following criteria are met: 0103 - Loss of function and gain of function are known mechanisms of disease in this gene and are associated with sinoatrial node dysfunction and deafness (MIM#614896) and primary aldosteronism, seizures, and neurologic abnormalities (MIM#615474), respectively (PMID: 36430690, PMID: 30054272). (I) 0108 - This gene is associated with both recessive and dominant disease. Missense variants with a gain of function mechanism in the brain-specific isoform, and loss of function in the cardiac-specific isoform results in dominant disease. Loss of function variants (presumably in both isoforms) cause recessive disease (PMID: 36430690, PMID: 30054272). (I) 0201 - Variant is predicted to cause nonsense-mediated decay (NMD) and loss of protein (premature termination codon is located at least 54 nucleotides upstream of the final exon-exon junction). (SP) 0251 - This variant is heterozygous. (I) 0301 - Variant is absent from gnomAD (both v2 and v3). (SP) 0710 - Other NMD-predicted variants comparable to the one identified in this case have inconclusive previous evidence for pathogenicity. Most of these variants have been reported as VUS, with limited clinical information (ClinVar). One NMD-predicted variant was observed in an individual with hearing loss and bradycardia, where the variant was inherited from an affected parent (PMID: 28087566). (I) 0807 - This variant has no previous evidence of pathogenicity. (I) 0905 - No published segregation evidence has been identified for this variant. (I) 1007 - No published functional evidence has been identified for this variant. (I) 1208 - Inheritance information for this variant is not currently available in this individual. (I) Legend: (SP) - Supporting pathogenic, (I) - Information, (SB) - Supporting benign

Literature cited by the submitters: PubMed 28087566; PubMed 30054272; PubMed 36430690.